The following is an entry in ClinVar:

NM_007055.4(POLR3A):c.556G>A (p.Val186Met)

Gene: POLR3A (RNA polymerase III subunit A; minus strand). Cytogenetic location: 10q22.3.
Variant type: single nucleotide variant.
Coding change: c.556G>A on transcript NM_007055.4 (MANE Select); coding-DNA position 556, G replaced by A.
Protein change: p.Val186Met; replaces valine 186 with methionine.
Molecular consequence: missense variant.
Genome position (GRCh38, 1-based): chr10:78,024,638, C>T on the plus strand (G>A on the coding strand, the complement: POLR3A is on the minus strand). VCF-style: chr10-78024638-C-T. GRCh37 (hg19) VCF-style: chr10-79784396-C-T.
Other names: short protein forms V186M.
Identifiers: ClinVar variation 1435842 (VCV001435842.8), dbSNP rs2131960679, ClinGen allele CA377346126.

ClinVar aggregate classification (germline): Uncertain significance (1 of 4 stars; one submission).

Submission:

Labcorp Genetics (formerly Invitae), Labcorp
Classification: Uncertain significance. Last evaluated: 2021-07-22. Review status: criteria provided, single submitter. Criteria: Invitae Variant Classification Sherloc (09022015). Collection method: clinical testing. Allele origin: germline.
Comment: This sequence change replaces valine with methionine at codon 186 of the POLR3A protein (p.Val186Met). The valine residue is moderately conserved and there is a small physicochemical difference between valine and methionine. This variant is not present in population databases (ExAC no frequency). This variant has not been reported in the literature in individuals affected with POLR3A-related conditions. Algorithms developed to predict the effect of missense changes on protein structure and function output the following: SIFT: "Tolerated"; PolyPhen-2: "Benign"; Align-GVGD: "Class C0". The methionine amino acid residue is found in multiple mammalian species, which suggests that this missense change does not adversely affect protein function. In summary, the available evidence is currently insufficient to determine the role of this variant in disease. Therefore, it has been classified as a Variant of Uncertain Significance.